The following is an entry in ClinVar:

NM_001384140.1(PCDH15):c.3984-6A>G

Gene: PCDH15 (protocadherin related 15; minus strand). Cytogenetic location: 10q21.1.
Variant type: single nucleotide variant.
Coding change: c.3984-6A>G on transcript NM_001384140.1 (MANE Select); 6 bases into the intron before coding-DNA position 3984, A replaced by G.
Molecular consequence: intron variant.
Genome position (GRCh38, 1-based): chr10:53,831,539, T>C on the plus strand (A>G on the coding strand, the complement: PCDH15 is on the minus strand). VCF-style: chr10-53831539-T-C. GRCh37 (hg19) VCF-style: chr10-55591299-T-C.
Other names: p.(=); c.3984-6A>G (NM_001354420.2, NM_001354429.2, NM_001142772.2 and 4 more transcripts); c.3999-6A>G (NM_001142771.2, NM_001142763.2); c.4005-6A>G (NM_001354411.2); c.4020-6A>G (NM_001142769.3); c.3918-6A>G (NM_001354404.2, NM_001142773.2, NM_001142768.2); c.3873-6A>G (NM_001142767.2); c.3771-6A>G (NM_001142765.2).
Identifiers: ClinVar variation 841898 (VCV000841898.11), dbSNP rs2077015569, ClinGen allele CA916083129.

ClinVar aggregate classification (germline): Uncertain significance. Review status: criteria provided, multiple submitters, no conflicts (2 of 4 stars). 3 submissions from 3 submitters: Uncertain significance (2). 1 of the submissions does not count toward it. Last evaluated 2021-08-27.

Conditions:
Usher syndrome. Also called: Usher's syndrome; Usher Syndromes. Identifiers: Orphanet 886, MedGen CN469326, MeSH D052245, MONDO:0019501. Disease mechanism: loss of function.

Allele frequency attached by ClinVar (database versions not stated): gnomAD exomes below 0.00001.
gnomAD v4.1: 3 of 1,593,450 alleles (0.00019%); highest among the groups gnomAD compares: Non-Finnish European, 0.00026%; no homozygotes.

Submissions (3):

Labcorp Genetics (formerly Invitae), Labcorp
Classification: Uncertain significance. Last evaluated: 2021-08-27. Review status: criteria provided, single submitter. Criteria: Invitae Variant Classification Sherloc (09022015). Collection method: clinical testing. Allele origin: germline.
Comment: This sequence change falls in intron 29 of the PCDH15 gene. It does not directly change the encoded amino acid sequence of the PCDH15 protein. This variant is not present in population databases (ExAC no frequency). This variant has not been reported in the literature in individuals affected with PCDH15-related conditions. Algorithms developed to predict the effect of sequence changes on RNA splicing suggest that this variant may disrupt the consensus splice site. In summary, the available evidence is currently insufficient to determine the role of this variant in disease. Therefore, it has been classified as a Variant of Uncertain Significance.

Blueprint Genetics
Classification: Uncertain significance. Last evaluated: 2018-11-26. Review status: criteria provided, single submitter. Criteria: ACMG Guidelines, 2015. Collection method: clinical testing. Allele origin: germline.

Faculty of Health Sciences, Beirut Arab University
Classification: Pathogenic for USHER Syndrome. Last evaluated: 2022-02-12. Review status: no assertion criteria provided. Collection method: research. Allele origin: germline. Affected: yes. Observed: 1 variant allele. Not counted in ClinVar's aggregate classification.